The following is an entry in ClinVar:

ClinVar aggregate classification (germline): Uncertain significance. Review status: criteria provided, multiple submitters, no conflicts (2 of 4 stars). 2 submissions from 2 submitters: Uncertain significance (2). Last evaluated 2024-05-08.

Conditions:
Inborn genetic diseases. Identifiers: MedGen C0950123, MeSH D030342.
Fanconi anemia (FA). Also called: Fanconi's anemia. Identifiers: Orphanet 84, MedGen C0015625, MeSH D005199, MONDO:0019391.

Allele frequency attached by ClinVar (database versions not stated): ExAC 0.00001; gnomAD exomes 0.00001 and 0.00002; TOPMed 0.00001; gnomAD 0.00002.
gnomAD v4.1: 23 of 1,209,084 alleles (0.0019%); highest among the groups gnomAD compares: Non-Finnish European, 0.0025%; no homozygotes.

Submissions (2):

Labcorp Genetics (formerly Invitae), Labcorp
Classification: Uncertain significance for Fanconi anemia. Last evaluated: 2024-05-08. Review status: criteria provided, single submitter. Criteria: Invitae Variant Classification Sherloc (09022015). Collection method: clinical testing. Allele origin: germline.
Comment: This sequence change replaces glutamic acid, which is acidic and polar, with alanine, which is neutral and non-polar, at codon 218 of the FANCB protein (p.Glu218Ala). This variant is not present in population databases (gnomAD no frequency). This variant has not been reported in the literature in individuals affected with FANCB-related conditions. ClinVar contains an entry for this variant (Variation ID: 985091). Advanced modeling of protein sequence and biophysical properties (such as structural, functional, and spatial information, amino acid conservation, physicochemical variation, residue mobility, and thermodynamic stability) performed at Invitae indicates that this missense variant is expected to disrupt FANCB protein function with a positive predictive value of 80%. In summary, the available evidence is currently insufficient to determine the role of this variant in disease. Therefore, it has been classified as a Variant of Uncertain Significance.

Ambry Genetics
Classification: Uncertain significance for Inborn genetic diseases. Last evaluated: 2018-07-10. Review status: criteria provided, single submitter. Criteria: Ambry exome assertion method (8-5-2015). Collection method: clinical testing. Allele origin: germline. Affected: yes. Observed: 1 variant allele.

NM_001018113.3(FANCB):c.653A>C (p.Glu218Ala)

Gene: FANCB (FA complementation group B; minus strand). Cytogenetic location: Xp22.2.
Variant type: single nucleotide variant.
Coding change: c.653A>C on transcript NM_001018113.3 (MANE Select); coding-DNA position 653, A replaced by C.
Protein change: p.Glu218Ala; replaces glutamic acid 218 with alanine.
Molecular consequence: missense variant.
Genome position (GRCh38, 1-based): chrX:14,864,858, T>G on the plus strand (A>C on the coding strand, the complement: FANCB is on the minus strand). VCF-style: chrX-14864858-T-G. GRCh37 (hg19) VCF-style: chrX-14882980-T-G.
Other names: c.653A>C, p.Glu218Ala (NM_001324162.2, NM_152633.4); short protein forms E218A.
Identifiers: ClinVar variation 985091 (VCV000985091.8), dbSNP rs781051710, ClinGen allele CA10353183.